The following is an entry in ClinVar:

ClinVar aggregate classification (germline): Uncertain significance (1 of 4 stars; one submission).

Submission:

Labcorp Genetics (formerly Invitae), Labcorp
Classification: Uncertain significance. Last evaluated: 2022-05-21. Review status: criteria provided, single submitter. Criteria: Invitae Variant Classification Sherloc (09022015). Collection method: clinical testing. Allele origin: germline.
Comment: In summary, the available evidence is currently insufficient to determine the role of this variant in disease. Therefore, it has been classified as a Variant of Uncertain Significance. Algorithms developed to predict the effect of missense changes on protein structure and function are either unavailable or do not agree on the potential impact of this missense change (SIFT: "Deleterious"; PolyPhen-2: "Probably Damaging"; Align-GVGD: "Class C0"). This variant has not been reported in the literature in individuals affected with C7-related conditions. This variant is not present in population databases (gnomAD no frequency). This sequence change replaces tyrosine, which is neutral and polar, with cysteine, which is neutral and slightly polar, at codon 303 of the C7 protein (p.Tyr303Cys).

NM_000587.4(C7):c.908A>G (p.Tyr303Cys)

Gene: C7 (complement C7; plus strand). Cytogenetic location: 5p13.1.
Variant type: single nucleotide variant.
Coding change: c.908A>G on transcript NM_000587.4 (MANE Select); coding-DNA position 908, A replaced by G.
Protein change: p.Tyr303Cys; replaces tyrosine 303 with cysteine.
Molecular consequence: missense variant.
Genome position (GRCh38, 1-based): chr5:40,947,771, A>G. VCF-style: chr5-40947771-A-G. GRCh37 (hg19) VCF-style: chr5-40947873-A-G.
Other names: short protein forms Y303C.
Identifiers: ClinVar variation 1919731 (VCV001919731.5), dbSNP rs2478193216, ClinGen allele CA359583000.
Genomic context (GRCh38, chr5:40,947,771, plus strand): 5'-TCCCCTCTCTGTATGACTACAGTGCCTACCGAAGATTAATCGACCAGTACGGGACACATT[A>G]TCTGCAATCTGGGTCGTTAGGAGGAGAATACAGAGTTCTATTTTATGTGGACTCAGAAAA-3'
Protein context (NP_000578.2, residues 293-313): RRLIDQYGTH[Tyr303Cys]LQSGSLGGEY